The following is an entry in ClinVar:

ClinVar aggregate classification (germline): Uncertain significance (1 of 4 stars; one submission).

Conditions:
Aicardi-Goutieres syndrome 6 (AGS6). Identifiers: Orphanet 51, MedGen C3539013, MONDO:0014007, OMIM 615010.
Symmetrical dyschromatosis of extremities (DSH). Also called: Dyschromatosis symmetrica hereditaria; DYSCHROMATOSIS SYMMETRICA HEREDITARIA 1; RETICULATE ACROPIGMENTATION OF DOHI; SYMMETRIC DYSCHROMATOSIS OF THE EXTREMITIES. Identifiers: Orphanet 41, MedGen C0406775, MONDO:0007483, OMIM 127400.

Allele frequency attached by ClinVar (database versions not stated): gnomAD exomes below 0.00001 and 0.00001; TOPMed below 0.00001; ESP Exome Variant Server 0.00008.
gnomAD v4.1: 2 of 1,614,264 alleles (0.00012%); highest among the groups gnomAD compares: Non-Finnish European, 0.000085%; no homozygotes.

Submission:

Labcorp Genetics (formerly Invitae), Labcorp
Classification: Uncertain significance for Aicardi-Goutieres syndrome 6; Symmetrical dyschromatosis of extremities. Last evaluated: 2021-10-15. Review status: criteria provided, single submitter. Criteria: Invitae Variant Classification Sherloc (09022015). Collection method: clinical testing. Allele origin: germline.
Comment: This variant has not been reported in the literature in individuals affected with ADAR-related conditions. In summary, the available evidence is currently insufficient to determine the role of this variant in disease. Therefore, it has been classified as a Variant of Uncertain Significance. Algorithms developed to predict the effect of missense changes on protein structure and function output the following: SIFT: "Tolerated"; PolyPhen-2: "Benign"; Align-GVGD: "Class C0". The arginine amino acid residue is found in multiple mammalian species, which suggests that this missense change does not adversely affect protein function. This variant is not present in population databases (ExAC no frequency). This sequence change replaces glutamine with arginine at codon 186 of the ADAR protein (p.Gln186Arg). The glutamine residue is weakly conserved and there is a small physicochemical difference between glutamine and arginine.

NM_001111.5(ADAR):c.557A>G (p.Gln186Arg)

Gene: ADAR (adenosine deaminase RNA specific; minus strand). Cytogenetic location: 1q21.3.
Variant type: single nucleotide variant.
Coding change: c.557A>G on transcript NM_001111.5 (MANE Select); coding-DNA position 557, A replaced by G.
Protein change: p.Gln186Arg; replaces glutamine 186 with arginine.
Molecular consequence: missense variant. On other transcripts: 5 prime UTR variant (6).
Genome position (GRCh38, 1-based): chr1:154,602,085, T>C on the plus strand (A>G on the coding strand, the complement: ADAR is on the minus strand). VCF-style: chr1-154602085-T-C. GRCh37 (hg19) VCF-style: chr1-154574561-T-C.
Other names: c.-329A>G (NM_001025107.3, NM_001193495.2, NM_001365046.1 and 3 more transcripts); c.584A>G, p.Gln195Arg (NM_001365045.1); c.557A>G, p.Gln186Arg (NM_015840.4, NM_015841.4); short protein forms Q195R, Q186R.
Identifiers: ClinVar variation 1372726 (VCV001372726.6), dbSNP rs375311213, ClinGen allele CA30810623.